The following is an entry in ClinVar:

ClinVar aggregate classification (germline): Uncertain significance (1 of 4 stars; one submission).

Submission:

GeneDx
Classification: Uncertain significance. Last evaluated: 2019-10-20. Review status: criteria provided, single submitter. Criteria: GeneDx Variant Classification Process June 2021. Collection method: clinical testing. Allele origin: germline. Affected: yes.
Comment: Not observed in large population cohorts (Lek et al., 2016); In silico analysis, which includes protein predictors and evolutionary conservation, supports that this variant does not alter protein structure/function; Has not been previously published as pathogenic or benign to our knowledge

NM_006662.3(SRCAP):c.759G>T (p.Gln253His)

Gene: SRCAP (Snf2 related CREBBP activator protein; plus strand). Cytogenetic location: 16p11.2.
Variant type: single nucleotide variant.
Coding change: c.759G>T on transcript NM_006662.3 (MANE Select); coding-DNA position 759, G replaced by T.
Protein change: p.Gln253His; replaces glutamine 253 with histidine.
Molecular consequence: missense variant.
Genome position (GRCh38, 1-based): chr16:30,709,638, G>T. VCF-style: chr16-30709638-G-T. GRCh37 (hg19) VCF-style: chr16-30720959-G-T.
Other names: short protein forms Q253H.
Identifiers: ClinVar variation 1309585 (VCV001309585.2), dbSNP rs2151287390, ClinGen allele CA395602058.